The following is an entry in ClinVar:

ClinVar aggregate classification (germline): Uncertain significance (1 of 4 stars; one submission).

Allele frequency attached by ClinVar (database versions not stated): gnomAD exomes below 0.00001 and 0.00002; ExAC 0.00001; gnomAD 0.00001; TOPMed 0.00001.
gnomAD v4.1: 32 of 1,613,160 alleles (0.002%); highest among the groups gnomAD compares: Non-Finnish European, 0.0026%; no homozygotes.

Submission:

Labcorp Genetics (formerly Invitae), Labcorp
Classification: Uncertain significance. Last evaluated: 2021-12-03. Review status: criteria provided, single submitter. Criteria: Invitae Variant Classification Sherloc (09022015). Collection method: clinical testing. Allele origin: germline.
Comment: In summary, the available evidence is currently insufficient to determine the role of this variant in disease. Therefore, it has been classified as a Variant of Uncertain Significance. Algorithms developed to predict the effect of missense changes on protein structure and function are either unavailable or do not agree on the potential impact of this missense change (SIFT: "Deleterious"; PolyPhen-2: "Possibly Damaging"; Align-GVGD: "Class C15"). This variant has not been reported in the literature in individuals affected with NDUFB3-related conditions. This variant is present in population databases (rs772160306, gnomAD 0.002%). This sequence change replaces tyrosine, which is neutral and polar, with aspartic acid, which is acidic and polar, at codon 19 of the NDUFB3 protein (p.Tyr19Asp).

NM_002491.3(NDUFB3):c.55T>G (p.Tyr19Asp)

Gene: NDUFB3 (NADH:ubiquinone oxidoreductase subunit B3; plus strand). Cytogenetic location: 2q33.1.
Variant type: single nucleotide variant.
Coding change: c.55T>G on transcript NM_002491.3 (MANE Select); coding-DNA position 55, T replaced by G.
Protein change: p.Tyr19Asp; replaces tyrosine 19 with aspartic acid.
Molecular consequence: missense variant.
Genome position (GRCh38, 1-based): chr2:201,078,937, T>G. VCF-style: chr2-201078937-T-G. GRCh37 (hg19) VCF-style: chr2-201943660-T-G.
Other names: c.55T>G, p.Tyr19Asp (NM_001257102.2); short protein forms Y19D.
Identifiers: ClinVar variation 1513989 (VCV001513989.6), dbSNP rs772160306, ClinGen allele CA2052281.